The following is an entry in ClinVar:

ClinVar aggregate classification (germline): Uncertain significance (1 of 4 stars; one submission).

Submission:

GeneDx
Classification: Uncertain significance. Last evaluated: 2022-07-19. Review status: criteria provided, single submitter. Criteria: GeneDx Variant Classification Process June 2021. Collection method: clinical testing. Allele origin: germline. Affected: yes.
Comment: Not observed at significant frequency in large population cohorts (gnomAD); In silico analysis supports that this missense variant has a deleterious effect on protein structure/function; Has not been previously published as pathogenic or benign to our knowledge

NM_018026.4(PACS1):c.1721G>T (p.Trp574Leu)

Gene: PACS1 (phosphofurin acidic cluster sorting protein 1; plus strand). Cytogenetic location: 11q13.2.
Variant type: single nucleotide variant.
Coding change: c.1721G>T on transcript NM_018026.4 (MANE Select); coding-DNA position 1721, G replaced by T.
Protein change: p.Trp574Leu; replaces tryptophan 574 with leucine.
Molecular consequence: missense variant.
Genome position (GRCh38, 1-based): chr11:66,232,266, G>T. VCF-style: chr11-66232266-G-T. GRCh37 (hg19) VCF-style: chr11-65999737-G-T.
Other names: short protein forms W574L.
Identifiers: ClinVar variation 2136012 (VCV002136012.1), dbSNP rs1855611947, ClinGen allele CA381369726.